The following is an entry in ClinVar:

ClinVar aggregate classification (germline): Likely benign. Review status: criteria provided, single submitter (1 of 4 stars). 2 submissions from 2 submitters: Likely benign (1). 1 of the submissions does not count toward it. Last evaluated 2025-12-08.

Conditions:
KLHL9-related disorder. Also called: KLHL9-related condition.

Allele frequency attached by ClinVar (database versions not stated): 1000 Genomes Project 30x 0.00016; ESP Exome Variant Server 0.00031.
gnomAD v4.1: 84 of 1,614,130 alleles (0.0052%); highest among the groups gnomAD compares: African/African-American, 0.1%; no homozygotes.

Submissions (2):

Labcorp Genetics (formerly Invitae), Labcorp
Classification: Likely benign. Last evaluated: 2025-12-08. Review status: criteria provided, single submitter. Criteria: Invitae Variant Classification Sherloc (09022015). Collection method: clinical testing. Allele origin: germline.

PreventionGenetics, part of Exact Sciences
Classification: Likely benign for KLHL9-related condition. Last evaluated: 2019-08-01. Review status: no assertion criteria provided. Collection method: clinical testing. Allele origin: germline. Not counted in ClinVar's aggregate classification.
Comment: This variant is classified as likely benign based on ACMG/AMP sequence variant interpretation guidelines (Richards et al. 2015 PMID: 25741868, with internal and published modifications).

NM_018847.4(KLHL9):c.294G>T (p.Val98=)

Gene: KLHL9 (kelch like family member 9; minus strand). Cytogenetic location: 9p21.3.
Variant type: single nucleotide variant.
Coding change: c.294G>T on transcript NM_018847.4 (MANE Select); coding-DNA position 294, G replaced by T.
Protein change: p.Val98=; no amino-acid change (valine 98 retained).
Molecular consequence: synonymous variant.
Genome position (GRCh38, 1-based): chr9:21,334,566, C>A on the plus strand (G>T on the coding strand, the complement: KLHL9 is on the minus strand). VCF-style: chr9-21334566-C-A. GRCh37 (hg19) VCF-style: chr9-21334565-C-A.
Other names: c.294G>T (NM_018847.3).
Identifiers: ClinVar variation 1585707 (VCV001585707.10), dbSNP rs146809403, ClinGen allele CA5010675.